The following is an entry in ClinVar:

ClinVar aggregate classification (germline): Uncertain significance. Review status: criteria provided, multiple submitters, no conflicts (2 of 4 stars). 2 submissions from 2 submitters: Uncertain significance (2). Last evaluated 2025-01-17.

Allele frequency attached by ClinVar (database versions not stated): ExAC 0.00002; gnomAD 0.00005; TOPMed 0.00006; ESP Exome Variant Server 0.00015.
gnomAD v4.1: 12 of 1,613,782 alleles (0.00074%); highest among the groups gnomAD compares: African/African-American, 0.015%; no homozygotes.

Submissions (2):

Ambry Genetics
Classification: Uncertain significance. Last evaluated: 2025-01-17. Review status: criteria provided, single submitter. Criteria: Ambry Variant Classification Scheme 2023. Collection method: clinical testing. Allele origin: germline.

Labcorp Genetics (formerly Invitae), Labcorp
Classification: Uncertain significance. Last evaluated: 2023-11-07. Review status: criteria provided, single submitter. Criteria: Invitae Variant Classification Sherloc (09022015). Collection method: clinical testing. Allele origin: germline.
Comment: This sequence change replaces histidine, which is basic and polar, with glutamine, which is neutral and polar, at codon 668 of the ADGRE2 protein (p.His668Gln). The frequency data for this variant in the population databases is considered unreliable, as metrics indicate poor data quality at this position in the gnomAD database. This variant has not been reported in the literature in individuals affected with ADGRE2-related conditions. Algorithms developed to predict the effect of missense changes on protein structure and function output the following: SIFT: "Not Available"; PolyPhen-2: "Benign"; Align-GVGD: "Not Available". The glutamine amino acid residue is found in multiple mammalian species, which suggests that this missense change does not adversely affect protein function. In summary, the available evidence is currently insufficient to determine the role of this variant in disease. Therefore, it has been classified as a Variant of Uncertain Significance.

NM_013447.4(ADGRE2):c.2004C>G (p.His668Gln)

Gene: ADGRE2 (adhesion G protein-coupled receptor E2; minus strand). Cytogenetic location: 19p13.12.
Variant type: single nucleotide variant.
Coding change: c.2004C>G on transcript NM_013447.4 (MANE Select); coding-DNA position 2004, C replaced by G.
Protein change: p.His668Gln; replaces histidine 668 with glutamine.
Molecular consequence: missense variant.
Genome position (GRCh38, 1-based): chr19:14,751,456, G>C on the plus strand (C>G on the coding strand, the complement: ADGRE2 is on the minus strand). VCF-style: chr19-14751456-G-C. GRCh37 (hg19) VCF-style: chr19-14862268-G-C.
Other names: c.1830C>G, p.His610Gln (NM_001271052.1); c.1857C>G, p.His619Gln (NM_152916.2); c.1725C>G, p.His575Gln (NM_152917.2); c.2004C>G (NM_013447.2); short protein forms H619Q, H575Q, H668Q, H610Q.
Identifiers: ClinVar variation 2900372 (VCV002900372.4), dbSNP rs150922672, ClinGen allele CA9257548.
Genomic context (GRCh38, chr19:14,751,456, plus strand): 5'-TATGCCGGAGAAGATAAGGATTGTGAGAATTTGCACTAACCGGGAAGGTGTTCCATAAAG[G>C]TGAGGCCTGGAGGCTGCAGAAATGGCCACTGTCACAGCTGGGACTCCGTAGCCCACAGGG-3'
Protein context (NP_038475.2, residues 658-678): TVAISAASRP[His668Gln]LYGTPSRCWL